The following is an entry in ClinVar:

NM_152564.5(VPS13B):c.11707G>A (p.Val3903Met)

Gene: VPS13B (vacuolar protein sorting 13 homolog B; plus strand). Cytogenetic location: 8q22.2.
Variant type: single nucleotide variant.
Coding change: c.11707G>A on transcript NM_152564.5 (MANE Select); coding-DNA position 11707, G replaced by A.
Protein change: p.Val3903Met; replaces valine 3903 with methionine.
Molecular consequence: missense variant.
Genome position (GRCh38, 1-based): chr8:99,871,659, G>A. VCF-style: chr8-99871659-G-A. GRCh37 (hg19) VCF-style: chr8-100883887-G-A.
Other names: c.11707G>A (NM_152564.4); c.11782G>A, p.Val3928Met (NM_017890.5); short protein forms V3903M, V3928M.
Identifiers: ClinVar variation 1019381 (VCV001019381.9), dbSNP rs144797111, ClinGen allele CA371794972.

ClinVar aggregate classification (germline): Uncertain significance. Review status: criteria provided, multiple submitters, no conflicts (2 of 4 stars). 2 submissions from 2 submitters: Uncertain significance (2). Last evaluated 2025-11-11.

Conditions:
VPS13B-related disorder. Also called: VPS13B-related condition.
Cohen syndrome (COH1). Also called: Cutis verticis gyrata, retinitis pigmentosa, and sensorineural deafness; PEPPER SYNDROME. Identifiers: Orphanet 193, MedGen C0265223, MONDO:0008999, OMIM 216550.

Submissions (2):

PreventionGenetics, part of Exact Sciences
Classification: Uncertain significance for VPS13B-related condition. Last evaluated: 2025-11-11. Review status: criteria provided, single submitter. Criteria: ACMG Guidelines, 2015. Collection method: clinical testing. Allele origin: germline.
Comment: The VPS13B c.11707G>A variant is predicted to result in the amino acid substitution p.Val3903Met. To our knowledge, this variant has not been reported in the literature or in a large population database (gnomAD), indicating this variant is rare. At this time, the clinical significance of this variant is uncertain due to the absence of conclusive functional and genetic evidence.

Labcorp Genetics (formerly Invitae), Labcorp
Classification: Uncertain significance for Cohen syndrome. Last evaluated: 2022-02-03. Review status: criteria provided, single submitter. Criteria: Invitae Variant Classification Sherloc (09022015). Collection method: clinical testing. Allele origin: germline.
Comment: This variant is not present in population databases (gnomAD no frequency). This sequence change replaces valine, which is neutral and non-polar, with methionine, which is neutral and non-polar, at codon 3928 of the VPS13B protein (p.Val3928Met). This variant has not been reported in the literature in individuals affected with VPS13B-related conditions. ClinVar contains an entry for this variant (Variation ID: 1019381). In summary, the available evidence is currently insufficient to determine the role of this variant in disease. Therefore, it has been classified as a Variant of Uncertain Significance. Algorithms developed to predict the effect of missense changes on protein structure and function are either unavailable or do not agree on the potential impact of this missense change (SIFT: "Not Available"; PolyPhen-2: "Possibly Damaging"; Align-GVGD: "Not Available").